The following is an entry in ClinVar:

NM_002354.3(EPCAM):c.50C>A (p.Thr17Lys)

Gene: EPCAM (epithelial cell adhesion molecule; plus strand). Cytogenetic location: 2p21.
Variant type: single nucleotide variant.
Coding change: c.50C>A on transcript NM_002354.3 (MANE Select); coding-DNA position 50, C replaced by A.
Protein change: p.Thr17Lys; replaces threonine 17 with lysine.
Molecular consequence: missense variant.
Genome position (GRCh38, 1-based): chr2:47,369,555, C>A. VCF-style: chr2-47369555-C-A. GRCh37 (hg19) VCF-style: chr2-47596694-C-A.
Other names: p.T17K:ACG>AAG; short protein forms T17K.
Identifiers: ClinVar variation 137216 (VCV000137216.17), dbSNP rs116429842, ClinGen allele CA290750.

ClinVar aggregate classification (germline): Benign/Likely benign. Review status: criteria provided, multiple submitters, no conflicts (2 of 4 stars). 7 submissions from 7 submitters: Benign (6); Likely benign (1). Last evaluated 2026-01-15.

Conditions:
Hereditary cancer-predisposing syndrome. Also called: Tumor predisposition; Hereditary neoplastic syndrome; Neoplastic Syndromes, Hereditary; Hereditary Cancer Syndrome. Identifiers: Orphanet 140162, MedGen C0027672, MeSH D009386, MONDO:0015356.
Lynch syndrome 8 (LYNCH8). Also called: Colorectal cancer, hereditary nonpolyposis, type 8. Identifiers: Orphanet 144, MedGen C2750471, MONDO:0013196, OMIM 613244.

Allele frequency attached by ClinVar (database versions not stated): ExAC 0.00505; ESP Exome Variant Server 0.00997; TOPMed 0.01078; 1000 Genomes Project 30x 0.01234; 1000 Genomes Project 0.01278.
gnomAD v4.1: 3,312 of 1,588,506 alleles (0.21%); highest among the groups gnomAD compares: African/African-American, 3.3%; 60 homozygotes.

Submissions (7):

Labcorp Genetics (formerly Invitae), Labcorp
Classification: Benign. Last evaluated: 2026-01-15. Review status: criteria provided, single submitter. Criteria: Invitae Variant Classification Sherloc (09022015). Collection method: clinical testing. Allele origin: germline.

Blueprint Genetics
Classification: Likely benign. Last evaluated: 2024-11-21. Review status: criteria provided, single submitter. Criteria: ACMG Guidelines, 2015. Collection method: clinical testing. Allele origin: germline.

KCCC/NGS Laboratory, Kuwait Cancer Control Center
Classification: Benign for Lynch syndrome 8. Last evaluated: 2023-07-07. Review status: criteria provided, single submitter. Criteria: ACMG Guidelines, 2015. Collection method: clinical testing. Allele origin: germline. Affected: yes.

GeneDx
Classification: Benign. Last evaluated: 2013-10-11. Review status: criteria provided, single submitter. Criteria: GeneDx Variant Classification (06012015). Collection method: clinical testing. Allele origin: germline. Affected: yes.
Comment: This variant is considered likely benign or benign based on one or more of the following criteria: it is a conservative change, it occurs at a poorly conserved position in the protein, it is predicted to be benign by multiple in silico algorithms, and/or has population frequency not consistent with disease.

Ambry Genetics
Classification: Benign for Hereditary cancer-predisposing syndrome. Last evaluated: 2013-08-12. Review status: criteria provided, single submitter. Criteria: Ambry Autosomal Dominant and X-Linked criteria (10/2015). Collection method: clinical testing. Allele origin: germline. Observed: 1 variant allele.

Breakthrough Genomics
Classification: Benign. Review status: criteria provided, single submitter. Criteria: ACMG Guidelines, 2015. Collection method: not provided. Allele origin: germline. Inheritance: Autosomal recessive inheritance. Affected: yes.

PreventionGenetics, part of Exact Sciences
Classification: Benign. Review status: criteria provided, single submitter. Criteria: ACMG Guidelines, 2015. Collection method: clinical testing. Allele origin: germline.